The following is an entry in ClinVar:

NM_000543.5(SMPD1):c.1630del (p.Thr544fs)

Gene: SMPD1 (sphingomyelin phosphodiesterase 1; plus strand). Cytogenetic location: 11p15.4.
Variant type: Deletion.
Coding change: c.1630del on transcript NM_000543.5 (MANE Select); coding-DNA position 1630, one base deleted (A; older notation c.1630delA).
Protein change: p.Thr544fs; shifts the reading frame from threonine 544.
Molecular consequence: frameshift variant. On other transcripts: 3 prime UTR variant (1), non-coding transcript variant (2).
Genome position (GRCh38, 1-based): chr11:6,394,341, A deleted; the last of 3 consecutive A bases (chr11:6,394,339-6,394,341); deleting any one gives the same sequence. VCF-style (leftmost placement, unchanged base first): chr11-6394338-GA-G. GRCh37 (hg19) VCF-style: chr11-6415568-GA-G.
Other names: c.1627del, p.Thr543fs (NM_001007593.3); c.*123del (NM_001318087.2); c.709del, p.Thr237fs (NM_001318088.2); c.1498del, p.Thr500fs (NM_001365135.2); short protein forms T544fs, T543fs, T237fs, T500fs.
Identifiers: ClinVar variation 592260 (VCV000592260.21), dbSNP rs770962157, ClinGen allele CA5852949.

ClinVar aggregate classification (germline): Pathogenic. Review status: criteria provided, multiple submitters, no conflicts (2 of 4 stars). 6 submissions from 6 submitters: Pathogenic (6). Last evaluated 2026-09-18.

Conditions:
Niemann-Pick disease, type A. Also called: Infantile Neurovisceral ASMD (Niemann-Pick Disease Type A; NPD-A); SPHINGOMYELIN LIPIDOSIS; SPHINGOMYELINASE DEFICIENCY. Identifiers: Orphanet 77292, MedGen C0268242, MONDO:0009756, OMIM 257200. Disease mechanism: loss of function.
Niemann-Pick disease, type B. Also called: Chronic Visceral ASMD (Niemann-Pick Disease Type B; NPD-B). Identifiers: Orphanet 77293, MedGen C0268243, MONDO:0011871, OMIM 607616. Disease mechanism: loss of function.
SMPD1-related disorder. Also called: SMPD1-related condition.

Submissions (6):

PreventionGenetics, part of Exact Sciences
Classification: Pathogenic for SMPD1-related condition. Last evaluated: 2026-09-18. Review status: criteria provided, single submitter. Criteria: ACMG Guidelines, 2015. Collection method: clinical testing. Allele origin: germline.
Comment: The SMPD1 c.1630delA variant is predicted to result in a frameshift and premature protein termination (p.Thr544Profs*69). This variant, also referred to as T542fsX68 in the literature, has been reported with an additional causative SMPD1 variant in multiple individuals with clinical and biochemical characteristics consistent with acid sphingomyelinase deficiency/ Niemann-Pick disease (Ricci et al. 2004. PubMed ID: 15221801; Pittis et al. 2004. PubMed ID: 15241805; Froissart et al. 2025. PubMed ID: 40106870). In two individuals, residual acid sphingomyelinase activity in patient fibroblasts was significantly lower than control (Pittis et al. 2004. PubMed ID: 15241805). This variant is reported in 0.0026% of alleles in individuals of European (non-Finnish) descent in gnomAD, and it is consistently classified as pathogenic in the ClinVar database (Variation ID: 592260). Frameshift variants in SMPD1 are expected to be pathogenic. This variant is interpreted as pathogenic.

Natera, Inc.
Classification: Pathogenic for Niemann-Pick Disease, Types A/B. Last evaluated: 2025-10-16. Review status: criteria provided, single submitter. Criteria: Natera Variant Classification Schema (03/2026). Collection method: clinical testing. Allele origin: germline.
Comment: The c.1630delA variant in SMPD1 is a frameshift variant predicted to shift the reading frame beginning at codon 544 and leads to a stop codon 69 codons downstream. This variant is expected to result in nonsense mediated decay, truncation, or a dysfunctional protein product. This variant is rare in the general population with a frequency below the threshold expected for the associated phenotype(s). This variant has been observed in one or more individuals affected with the associated recessive disease, as either homozygous or compound heterozygous with a second variant (PMID: 15221801). Given the available evidence, this variant is classified as Pathogenic.

Baylor Genetics
Classification: Pathogenic for Niemann-Pick disease, type A. Last evaluated: 2023-11-11. Review status: criteria provided, single submitter. Criteria: ACMG Guidelines, 2015. Collection method: clinical testing. Allele origin: unknown.

Labcorp Genetics (formerly Invitae), Labcorp
Classification: Pathogenic for Niemann-Pick disease, type B; Niemann-Pick disease, type A. Last evaluated: 2023-06-01. Review status: criteria provided, single submitter. Criteria: Invitae Variant Classification Sherloc (09022015). Collection method: clinical testing. Allele origin: germline.
Comment: For these reasons, this variant has been classified as Pathogenic. ClinVar contains an entry for this variant (Variation ID: 592260). This variant is also known as c.1624delA. This premature translational stop signal has been observed in individuals with Niemann-Pick disease (PMID: 15221801). This variant is present in population databases (rs770962157, gnomAD 0.003%). This sequence change creates a premature translational stop signal (p.Thr544Profs*69) in the SMPD1 gene. While this is not anticipated to result in nonsense mediated decay, it is expected to disrupt the last 88 amino acid(s) of the SMPD1 protein.

Women's Health and Genetics/Laboratory Corporation of America, LabCorp
Classification: Pathogenic for Niemann-Pick disease, type A. Last evaluated: 2020-06-19. Review status: criteria provided, single submitter. Criteria: LabCorp Variant Classification Summary - May 2015. Collection method: clinical testing. Allele origin: germline.
Comment: Variant summary: SMPD1 c.1630delA (p.Thr544ProfsX69) results in a premature termination codon, predicted to cause a truncation of the encoded protein or absence of the protein due to nonsense mediated decay, which are commonly known mechanisms for disease. The variant allele was found at a frequency of 1.2e-05 in 251366 control chromosomes (gnomAD). c.1630delA has been reported in the literature in multiple individuals affected with Niemann-Pick Disease (e.g. Pittis_2004, Ricci_2004). These data indicate that the variant is very likely to be associated with disease. To our knowledge, no experimental evidence demonstrating an impact on protein function has been reported. A ClinVar submitter (evaluation after 2014) cites the variant as pathogenic. Based on the evidence outlined above, the variant was classified as pathogenic.

Eurofins Ntd Llc (ga)
Classification: Pathogenic. Last evaluated: 2017-07-12. Review status: criteria provided, single submitter. Criteria: EGL Classification Definitions 2015. Collection method: clinical testing. Allele origin: germline. Observed: 2 variant alleles, 1 heterozygote, 1 homozygote.

Literature cited by the submitters: PubMed 15221801 (cited by 3 submitters); PubMed 15241805 (cited by Women's Health and Genetics/Laboratory Corporation of America, LabCorp).